The following is an entry in ClinVar:

NM_017739.4(POMGNT1):c.1725_1726insAGCAGCA (p.Val576fs)

Genes: TSPAN1 (tetraspanin 1; plus strand), POMGNT1 (protein O-linked mannose N-acetylglucosaminyltransferase 1 (beta 1,2-); minus strand). Cytogenetic location: 1p34.1.
Variant type: Insertion.
Coding change: c.1725_1726insAGCAGCA on transcript NM_017739.4 (MANE Select); coding-DNA positions 1725 to 1726, AGCAGCA inserted.
Protein change: p.Val576fs; shifts the reading frame from valine 576.
Molecular consequence: frameshift variant.
Genome position: GRCh38 VCF-style: chr1-46189913-C-CTGCTGCT. GRCh37 (hg19) VCF-style: chr1-46655585-C-CTGCTGCT.
Other names: c.1725_1726insAGCAGCA, p.Val576fs (NM_001243766.2, NM_001410783.1, NM_001437653.1 and 3 more transcripts); c.1659_1660insAGCAGCA, p.Val554fs (NM_001290129.3, NM_001438691.1, NM_001438692.1); c.1296_1297insAGCAGCA, p.Val433fs (NM_001290130.2); short protein forms V433fs, V554fs, V576fs.
Identifiers: ClinVar variation 5012342 (VCV005012342.1).

ClinVar aggregate classification (germline): Pathogenic (1 of 4 stars; one submission).

Conditions:
Myopathy caused by variation in POMGNT1. Identifiers: MedGen CN305639, MONDO:0700068.

Submission:

Myriad Genetics, Inc.
Classification: Pathogenic for Myopathy caused by variation in POMGNT1. Last evaluated: 2023-09-30. Review status: criteria provided, single submitter. Criteria: Myriad Autosomal Dominant, Autosomal Recessive and X-Linked Classification Criteria (2023). Collection method: clinical testing. Allele origin: unknown.
Comment: NM_017739.3(POMGNT1):c.1725_1726ins7(V576Sfs*12) is expected to be pathogenic in the context of POMGNT1-related disorders. This variant is predicted to lead to an abnormal or absent protein product due to the creation of a premature termination codon in POMGNT1, a gene where loss-of-function variants are known to be pathogenic. Please note: this variant was assessed in the context of healthy population screening.